The following is an entry in ClinVar:

NM_002739.5(PRKCG):c.156C>T (p.Cys52=)

Gene: PRKCG (protein kinase C gamma; plus strand). Cytogenetic location: 19q13.42.
Variant type: single nucleotide variant.
Coding change: c.156C>T on transcript NM_002739.5 (MANE Select); coding-DNA position 156, C replaced by T.
Protein change: p.Cys52=; no amino-acid change (cysteine 52 retained).
Molecular consequence: synonymous variant.
Genome position (GRCh38, 1-based): chr19:53,882,650, C>T. VCF-style: chr19-53882650-C-T. GRCh37 (hg19) VCF-style: chr19-54385904-C-T.
Other names: c.156C>T, p.Cys52= (NM_001316329.2).
Identifiers: ClinVar variation 4682224 (VCV004682224.1).

ClinVar aggregate classification (germline): Uncertain significance (1 of 4 stars; one submission).

gnomAD v4.1: 4 of 1,612,414 alleles (0.00025%); highest among the groups gnomAD compares: Non-Finnish European, 0.00034%; no homozygotes.

Submission:

Athena Diagnostics
Classification: Uncertain significance. Last evaluated: 2025-02-21. Review status: criteria provided, single submitter. Criteria: Athena Diagnostics Criteria. Collection method: clinical testing. Allele origin: unknown.
Comment: Available data are insufficient to determine the clinical significance of the variant at this time. The frequency of this variant in the general population is uninformative in assessment of its pathogenicity. Computational tools yielded predictions that this variant is unlikely to have an effect on normal RNA splicing.